The following is an entry in ClinVar:

NM_012123.4(MTO1):c.1162C>T (p.Arg388Cys)

Gene: MTO1 (mitochondrial tRNA translation optimization 1; plus strand). Cytogenetic location: 6q13.
Variant type: single nucleotide variant.
Coding change: c.1162C>T on transcript NM_012123.4 (MANE Select); coding-DNA position 1162, C replaced by T.
Protein change: p.Arg388Cys; replaces arginine 388 with cysteine.
Molecular consequence: missense variant.
Genome position (GRCh38, 1-based): chr6:73,480,707, C>T. VCF-style: chr6-73480707-C-T. GRCh37 (hg19) VCF-style: chr6-74190430-C-T.
Other names: c.1162C>T, p.Arg388Cys (NM_001123226.2); c.1237C>T, p.Arg413Cys (NM_133645.3); short protein forms R388C, R413C.
Identifiers: ClinVar variation 5016976 (VCV005016976.1).

ClinVar aggregate classification (germline): Uncertain significance (1 of 4 stars; one submission).

gnomAD v4.1: 16 of 1,613,880 alleles (0.00099%); highest among the groups gnomAD compares: Middle Eastern, 0.017%; no homozygotes.

Submission:

GeneDx
Classification: Uncertain significance. Last evaluated: 2026-03-26. Review status: criteria provided, single submitter. Criteria: GeneDx Variant Classification Process June 2021. Collection method: clinical testing. Allele origin: germline.
Comment: Not observed at significant frequency in large population cohorts (gnomAD); In silico analysis supports that this missense variant has a deleterious effect on protein structure/function; Has not been previously published as pathogenic or benign to our knowledge